The following is an entry in ClinVar:

ClinVar aggregate classification (germline): Likely benign (0 of 4 stars; one submission).

Conditions:
RAI1-related disorder. Also called: RAI1-related condition.

Submission:

PreventionGenetics, part of Exact Sciences
Classification: Likely benign for RAI1-related condition. Last evaluated: 2020-10-13. Review status: no assertion criteria provided. Collection method: clinical testing. Allele origin: germline.
Comment: This variant is classified as likely benign based on ACMG/AMP sequence variant interpretation guidelines (Richards et al. 2015 PMID: 25741868, with internal and published modifications).

NM_030665.4(RAI1):c.4512G>A (p.Leu1504=)

Gene: RAI1 (retinoic acid induced 1; plus strand). Cytogenetic location: 17p11.2.
Variant type: single nucleotide variant.
Coding change: c.4512G>A on transcript NM_030665.4 (MANE Select); coding-DNA position 4512, G replaced by A.
Protein change: p.Leu1504=; no amino-acid change (leucine 1504 retained).
Molecular consequence: synonymous variant.
Genome position (GRCh38, 1-based): chr17:17,797,460, G>A. VCF-style: chr17-17797460-G-A. GRCh37 (hg19) VCF-style: chr17-17700774-G-A.
Identifiers: ClinVar variation 3351024 (VCV003351024.1).